The following is an entry in ClinVar:

ClinVar aggregate classification (germline): Pathogenic/Likely pathogenic. Review status: criteria provided, multiple submitters, no conflicts (2 of 4 stars). 4 submissions from 4 submitters: Pathogenic (2); Likely pathogenic (1). 1 of the submissions does not count toward it. Last evaluated 2022-08-23.

Conditions:
Marfan syndrome (MFS). Also called: MARFAN SYNDROME, TYPE I; FBN1-Related Marfan Syndrome; Marfan syndrome type 1; Marfan's syndrome; Marfan syndrome, classic. Identifiers: Orphanet 284963, Orphanet 558, MedGen C0024796, MONDO:0007947, OMIM 154700.
Familial thoracic aortic aneurysm and aortic dissection (TAAD). Also called: Thoracic aortic aneurysms and dissections. Identifiers: Orphanet 91387, MedGen C4707243, MONDO:0019625.

Submissions (4):

Labcorp Genetics (formerly Invitae), Labcorp
Classification: Pathogenic for Marfan syndrome; Familial thoracic aortic aneurysm and aortic dissection. Last evaluated: 2022-08-23. Review status: criteria provided, single submitter. Criteria: Invitae Variant Classification Sherloc (09022015). Collection method: clinical testing. Allele origin: germline.
Comment: This sequence change replaces cysteine, which is neutral and slightly polar, with tryptophan, which is neutral and slightly polar, at codon 1431 of the FBN1 protein (p.Cys1431Trp). This variant is not present in population databases (gnomAD no frequency). This missense change has been observed in individual(s) with FBN1-related conditions (PMID: 21542060). ClinVar contains an entry for this variant (Variation ID: 457207). Advanced modeling of protein sequence and biophysical properties (such as structural, functional, and spatial information, amino acid conservation, physicochemical variation, residue mobility, and thermodynamic stability) performed at Invitae indicates that this missense variant is expected to disrupt FBN1 protein function. This variant affects a cysteine residue in the EGF-like, TGFBP or hybrid motif domains of FBN1. Cysteine residues are believed to be involved in intramolecular disulfide bridges and have been shown to be important for FBN1 protein structure (PMID: 16905551, 19349279). In addition, missense substitutions affecting cysteine residues within these domains are significantly overrepresented among patients with Marfan syndrome (PMID: 16571647, 17701892). This variant disrupts the p.Cys1431 amino acid residue in FBN1. Other variant(s) that disrupt this residue have been observed in individuals with FBN1-related conditions (PMID: 21542060, 24161884, 27611364), which suggests that this may be a clinically significant amino acid residue. For these reasons, this variant has been classified as Pathogenic.

Centre of Medical Genetics, University of Antwerp
Classification: Pathogenic for Marfan syndrome. Last evaluated: 2021-03-01. Review status: criteria provided, single submitter. Criteria: Submitter's publication. Collection method: research. Allele origin: unknown. Affected: yes.
Comment: PM2, PVS2, PP4

Juno Genomics, Hangzhou Juno Genomics, Inc
Classification: Likely pathogenic for Marfan syndrome. Review status: criteria provided, single submitter. Criteria: ACMG Guidelines, 2015. Collection method: clinical testing. Allele origin: germline. Affected: yes.
Comment: Absent from controls (or at extremely low frequency if recessive) in Genome Aggregation Database, Exome Sequencing Project, 1000 Genomes Project, or Exome Aggregation Consortium.;Missense variant in a gene that has a low rate of benign missense variation and where missense variants are a common mechanism of disease.;Multiple lines of computational evidence support a deleterious effect on the gene or gene product (conservation, evolutionary, splicing impact, etc).;Novel missense change at an amino acid residue where a different missense change determined to be pathogenic has been seen before.;The prevalence of the variant in affected individuals is significantly increased compared to the prevalence in controls.;Patient's phenotype or family history is highly specific for a disease with a single genetic etiology.

Center for Medical Genetics Ghent, University of Ghent
Classification: Likely pathogenic for Marfan syndrome. Last evaluated: 2017-11-07. Review status: no assertion criteria provided. Collection method: clinical testing. Allele origin: germline. Affected: yes. Not counted in ClinVar's aggregate classification.

Literature cited by the submitters: PubMed 21542060 (cited by Labcorp Genetics (formerly Invitae), Labcorp); PubMed 16905551 (cited by Labcorp Genetics (formerly Invitae), Labcorp); PubMed 19349279 (cited by Labcorp Genetics (formerly Invitae), Labcorp); PubMed 16571647 (cited by Labcorp Genetics (formerly Invitae), Labcorp); PubMed 17701892 (cited by Labcorp Genetics (formerly Invitae), Labcorp); PubMed 24161884 (cited by Labcorp Genetics (formerly Invitae), Labcorp); PubMed 27611364 (cited by Labcorp Genetics (formerly Invitae), Labcorp).

NM_000138.5(FBN1):c.4293C>G (p.Cys1431Trp)

Genes: FBN1 (fibrillin 1; minus strand), LOC126862124 (CDK7 strongly-dependent group 2 enhancer GRCh37_chr15:48764566-48765765; plus strand). Cytogenetic location: 15q21.1.
Variant type: single nucleotide variant.
Coding change: c.4293C>G on transcript NM_000138.5 (MANE Select); coding-DNA position 4293, C replaced by G.
Protein change: p.Cys1431Trp; replaces cysteine 1431 with tryptophan.
Molecular consequence: missense variant.
Genome position (GRCh38, 1-based): chr15:48,472,594, G>C on the plus strand (C>G on the coding strand, the complement: FBN1 is on the minus strand). VCF-style: chr15-48472594-G-C. GRCh37 (hg19) VCF-style: chr15-48764791-G-C.
Other names: short protein forms C1431W.
Identifiers: ClinVar variation 457207 (VCV000457207.28), dbSNP rs112375043, ClinGen allele CA269519916.